The following is an entry in ClinVar:

ClinVar aggregate classification (germline): Uncertain significance (1 of 4 stars; one submission).

Conditions:
Paget disease of bone 2, early-onset (PDB2). Also called: Paget disease of bone 2. Identifiers: MedGen C4085251, MONDO:0011183, OMIM 602080.
Frontotemporal dementia and/or amyotrophic lateral sclerosis 1 (FTDALS1). Also called: Frontotemporal dementia with motor neuron disease 1; C9orf72 Frontotemporal Dementia and/or Amyotrophic Lateral Sclerosis. Identifiers: Orphanet 275872, MedGen C5779877, MONDO:0007105, OMIM 105550.

Allele frequency attached by ClinVar (database versions not stated): gnomAD 0.00001; gnomAD exomes 0.00001 and 0.00002; ExAC 0.00003.
gnomAD v4.1: 20 of 1,613,992 alleles (0.0012%); highest among the groups gnomAD compares: South Asian, 0.022%; no homozygotes.

Submission:

Labcorp Genetics (formerly Invitae), Labcorp
Classification: Uncertain significance for Paget disease of bone 2, early-onset; Frontotemporal dementia and/or amyotrophic lateral sclerosis 1. Last evaluated: 2022-06-27. Review status: criteria provided, single submitter. Criteria: Invitae Variant Classification Sherloc (09022015). Collection method: clinical testing. Allele origin: germline.
Comment: This sequence change replaces isoleucine, which is neutral and non-polar, with valine, which is neutral and non-polar, at codon 94 of the SQSTM1 protein (p.Ile94Val). This variant is present in population databases (rs755702835, gnomAD 0.02%). This variant has not been reported in the literature in individuals affected with SQSTM1-related conditions. Algorithms developed to predict the effect of missense changes on protein structure and function (SIFT, PolyPhen-2, Align-GVGD) all suggest that this variant is likely to be tolerated. In summary, the available evidence is currently insufficient to determine the role of this variant in disease. Therefore, it has been classified as a Variant of Uncertain Significance.

NM_003900.5(SQSTM1):c.280A>G (p.Ile94Val)

Gene: SQSTM1 (sequestosome 1; plus strand). Cytogenetic location: 5q35.3.
Variant type: single nucleotide variant.
Coding change: c.280A>G on transcript NM_003900.5 (MANE Select); coding-DNA position 280, A replaced by G.
Protein change: p.Ile94Val; replaces isoleucine 94 with valine.
Molecular consequence: missense variant.
Genome position (GRCh38, 1-based): chr5:179,823,032, A>G. VCF-style: chr5-179823032-A-G. GRCh37 (hg19) VCF-style: chr5-179250032-A-G.
Other names: c.28A>G, p.Ile10Val (NM_001142298.2, NM_001142299.2); short protein forms I10V, I94V.
Identifiers: ClinVar variation 1358411 (VCV001358411.6), dbSNP rs755702835, ClinGen allele CA3600436.